The following is an entry in ClinVar:

ClinVar aggregate classification (germline): Uncertain significance (1 of 4 stars; one submission).

Submission:

Labcorp Genetics (formerly Invitae), Labcorp
Classification: Uncertain significance. Last evaluated: 2022-06-07. Review status: criteria provided, single submitter. Criteria: Invitae Variant Classification Sherloc (09022015). Collection method: clinical testing. Allele origin: germline.
Comment: This sequence change replaces serine, which is neutral and polar, with threonine, which is neutral and polar, at codon 2021 of the MYO18B protein (p.Ser2021Thr). This variant is not present in population databases (gnomAD no frequency). This variant has not been reported in the literature in individuals affected with MYO18B-related conditions. Algorithms developed to predict the effect of missense changes on protein structure and function are either unavailable or do not agree on the potential impact of this missense change (SIFT: "Not Available"; PolyPhen-2: "Benign"; Align-GVGD: "Not Available"). In summary, the available evidence is currently insufficient to determine the role of this variant in disease. Therefore, it has been classified as a Variant of Uncertain Significance.

NM_032608.7(MYO18B):c.6062G>C (p.Ser2021Thr)

Gene: MYO18B (myosin XVIIIB; plus strand). Cytogenetic location: 22q12.1.
Variant type: single nucleotide variant.
Coding change: c.6062G>C on transcript NM_032608.7 (MANE Select); coding-DNA position 6062, G replaced by C.
Protein change: p.Ser2021Thr; replaces serine 2021 with threonine.
Molecular consequence: missense variant.
Genome position (GRCh38, 1-based): chr22:25,955,270, G>C. VCF-style: chr22-25955270-G-C. GRCh37 (hg19) VCF-style: chr22-26351236-G-C.
Other names: c.6065G>C, p.Ser2022Thr (NM_001318245.2); short protein forms S2021T, S2022T.
Identifiers: ClinVar variation 2112520 (VCV002112520.4), dbSNP rs2518113667, ClinGen allele CA411009186.